The following is an entry in ClinVar:

ClinVar aggregate classification (germline): Conflicting classifications of pathogenicity. Review status: criteria provided, conflicting classifications (1 of 4 stars). 3 submissions from 3 submitters: Uncertain significance (1); Benign (1); Likely benign (1). Last evaluated 2025-10-02.

Conditions:
Orofacial cleft 1 (OFC1). Also called: Nonsyndromic Cleft Lip/Palate; CLEFT LIP WITH OR WITHOUT CLEFT PALATE, NONSYNDROMIC, 1; OROFACIAL CLEFT, NONSYNDROMIC. Identifiers: MedGen C1861537, MeSH C566121, MONDO:0007335, OMIM 119530.
Cornelia de Lange syndrome 1 (CDLS1). Also called: Brachmann de Lange syndrome; NIPBL-Related Cornelia de Lange Syndrome; TYPUS DEGENERATIVUS AMSTELODAMENSIS. Identifiers: Orphanet 199, MedGen C4551851, MONDO:0007387, OMIM 122470.

Submissions (3):

Labcorp Genetics (formerly Invitae), Labcorp
Classification: Benign for Cornelia de Lange syndrome 1. Last evaluated: 2025-10-02. Review status: criteria provided, single submitter. Criteria: Invitae Variant Classification Sherloc (09022015). Collection method: clinical testing. Allele origin: germline.

Blueprint Genetics
Classification: Likely benign. Last evaluated: 2024-11-26. Review status: criteria provided, single submitter. Criteria: ACMG Guidelines, 2015. Collection method: clinical testing. Allele origin: germline.

Grupo de Genetica Humana, Facultad de Medicina - Universidad de La Sabana
Classification: Uncertain significance for Orofacial cleft 1. Last evaluated: 2022-11-22. Review status: criteria provided, single submitter. Criteria: ACMG Guidelines, 2015. Collection method: research. Allele origin: germline. Affected: yes and no. Observed: 4 variant alleles.
Comment: VUS predicted to be pathogenic by its phyloP score in intron 40 of NIPBL, a gene implicated in morphogenetic processes, development of reproductive structures and sister chromatid cohesion, with a known association with Cornelia de Lange syndrome 1, a condition marked by atypical facial features (such as cleft palate), stunted growth, deformities in the limbs, and cognitive impairment.

Literature cited by the submitters: DOI:10.3346/JKMS.2010.25.12.1821 (cited by Grupo de Genetica Humana, Facultad de Medicina - Universidad de La Sabana).

NM_133433.4(NIPBL):c.6955-9dup

Gene: NIPBL (NIPBL cohesin loading factor; plus strand). Cytogenetic location: 5p13.2.
Variant type: Duplication.
Coding change: c.6955-9dup on transcript NM_133433.4 (MANE Select); 9 bases into the intron before coding-DNA position 6955, one base duplicated (T; older notation c.6955-9dupT).
Molecular consequence: intron variant.
Genome position (GRCh38, 1-based): chr5:37,051,770, T duplicated; the last of 11 consecutive T bases (chr5:37,051,760-37,051,770); duplicating any one gives the same sequence. VCF-style (leftmost placement, unchanged base first): chr5-37051759-A-AT. GRCh37 (hg19) VCF-style: chr5-37051861-A-AT.
Other names: c.6955-9dup (NM_015384.5).
Identifiers: ClinVar variation 1950511 (VCV001950511.8), dbSNP rs757731487, ClinGen allele CA3237105.
Genomic context (GRCh38, chr5:37,051,759, plus strand): 5'-TATATGAAAAGTTTTGACATATGTCTAAATAGAGAATTTTTACTACCATGATATCTCGTA[A>AT]TTTTTTTTTTTATTTCCAGTGTGTGCCATATTTAATTGCTATGGGCACAGACCCAGAACC-3'